The following is an entry in ClinVar:

NM_000083.3(CLCN1):c.1183_1187del (p.Gly395fs)

Gene: CLCN1 (chloride voltage-gated channel 1; plus strand). Cytogenetic location: 7q34.
Variant type: Deletion.
Coding change: c.1183_1187del on transcript NM_000083.3 (MANE Select); coding-DNA positions 1183 to 1187, 5 bases deleted (GGAAT; older notation c.1183_1187delGGAAT).
Protein change: p.Gly395fs; shifts the reading frame from glycine 395.
Molecular consequence: frameshift variant. On other transcripts: non-coding transcript variant (1).
Genome position (GRCh38, 1-based): chr7:143,332,435-143,332,439, GGAAT deleted; deleting any 5 consecutive bases within chr7:143,332,434-143,332,439 gives the same sequence; the c. name uses the placement nearest the transcript's 3' end. VCF-style (leftmost placement, unchanged base first): chr7-143332433-CTGGAA-C. GRCh37 (hg19) VCF-style: chr7-143029526-CTGGAA-C.
Other names: short protein forms G395fs.
Identifiers: ClinVar variation 1807083 (VCV001807083.1), dbSNP rs764936586, ClinGen allele CA4537277.
Genomic context (GRCh38, chr7:143,332,433, plus strand): 5'-CTGTGAGTTGGCTGAATTGTGGCGGTTAACTCTGTTTCTTTTTCAGCCGCCTGCTGTATC[CTGGAA>C]TTGTTACCTTTGTCATTGCCTCATTCACCTTCCCACCAGGAATGGGTCAATTCATGGCTG-3'

ClinVar aggregate classification (germline): Pathogenic (1 of 4 stars; one submission).

Submission:

Athena Diagnostics
Classification: Pathogenic. Last evaluated: 2022-01-11. Review status: criteria provided, single submitter. Criteria: Athena Diagnostics Criteria. Collection method: clinical testing. Allele origin: unknown.
Comment: This variant is expected to result in the loss of a functional protein. The frequency of this variant in the general population is consistent with pathogenicity. This variant has been identified in myotonia congenita patients as either heterozygous (PMID: 17932099) or compound heterozygous (PMID: 23810313).

Literature cited by the submitters: PubMed 17932099; PubMed 33573884; PubMed 23810313; PubMed 22521272.